The following is an entry in ClinVar:

NM_144670.6(A2ML1):c.2644G>C (p.Gly882Arg)

Gene: A2ML1 (alpha-2-macroglobulin like 1; plus strand). Cytogenetic location: 12p13.31.
Variant type: single nucleotide variant.
Coding change: c.2644G>C on transcript NM_144670.6 (MANE Select); coding-DNA position 2644, G replaced by C.
Protein change: p.Gly882Arg; replaces glycine 882 with arginine.
Molecular consequence: missense variant.
Genome position (GRCh38, 1-based): chr12:8,854,181, G>C. VCF-style: chr12-8854181-G-C. GRCh37 (hg19) VCF-style: chr12-9006777-G-C.
Other names: c.2644G>C (NM_144670.3); c.1171G>C, p.Gly391Arg (NM_001282424.3); short protein forms G391R, G882R.
Identifiers: ClinVar variation 1960090 (VCV001960090.6), dbSNP rs1400245028, ClinGen allele CA383834723.

ClinVar aggregate classification (germline): Uncertain significance. Review status: criteria provided, multiple submitters, no conflicts (2 of 4 stars). 2 submissions from 2 submitters: Uncertain significance (2). Last evaluated 2023-12-11.

Allele frequency attached by ClinVar (database versions not stated): gnomAD 0.00001; TOPMed 0.00001.

Submissions (2):

Ambry Genetics
Classification: Uncertain significance. Last evaluated: 2023-12-11. Review status: criteria provided, single submitter. Criteria: Ambry Variant Classification Scheme 2023. Collection method: clinical testing. Allele origin: germline.

Labcorp Genetics (formerly Invitae), Labcorp
Classification: Uncertain significance. Last evaluated: 2022-09-10. Review status: criteria provided, single submitter. Criteria: Invitae Variant Classification Sherloc (09022015). Collection method: clinical testing. Allele origin: germline.
Comment: This sequence change replaces glycine, which is neutral and non-polar, with arginine, which is basic and polar, at codon 882 of the A2ML1 protein (p.Gly882Arg). This variant is present in population databases (no rsID available, gnomAD 0.1%). This variant has not been reported in the literature in individuals affected with A2ML1-related conditions. Algorithms developed to predict the effect of missense changes on protein structure and function output the following: SIFT: "Tolerated"; PolyPhen-2: "Benign"; Align-GVGD: "Class C0". The arginine amino acid residue is found in multiple mammalian species, which suggests that this missense change does not adversely affect protein function. In summary, the available evidence is currently insufficient to determine the role of this variant in disease. Therefore, it has been classified as a Variant of Uncertain Significance.